The following is an entry in ClinVar:

ClinVar aggregate classification (germline): Benign. Review status: reviewed by expert panel (3 of 4 stars). 28 submissions from 28 submitters: Benign (1). 27 of the submissions do not count toward it. Last evaluated 2017-06-29.

Conditions:
Hereditary cancer-predisposing syndrome. Also called: Neoplastic Syndromes, Hereditary; Tumor predisposition; Hereditary Cancer Syndrome; Hereditary neoplastic syndrome. Identifiers: Orphanet 140162, MedGen C0027672, MeSH D009386, MONDO:0015356.
Hereditary breast ovarian cancer syndrome. Also called: Hereditary breast and/or ovarian cancer syndrome; Hereditary breast and ovarian cancer syndrome; Hereditary breast and ovarian cancer; Hereditary breast and ovarian cancer syndrome (HBOC); Breast and ovarian cancer; BRCA1- and BRCA2-Associated Hereditary Breast and Ovarian Cancer. Identifiers: Orphanet 145, MedGen C0677776, MeSH D061325, MONDO:0003582. Disease mechanism: loss of function.
Breast-ovarian cancer, familial, susceptibility to, 1 (BROVCA1). Also called: OVARIAN CANCER, SUSCEPTIBILITY TO; BRCA1 Hereditary Breast and Ovarian Cancer. Identifiers: Orphanet 145, MedGen C2676676, MONDO:0011450, OMIM 604370. Disease mechanism: loss of function.

Allele frequency attached by ClinVar (database versions not stated): gnomAD exomes 0.00101 and 0.00055; ESP Exome Variant Server 0.00046; 1000 Genomes Project 0.00060; 1000 Genomes Project 30x 0.00062; gnomAD 0.00065 and 0.00066; ExAC 0.00085; TOPMed 0.00096.
gnomAD v4.1: 972 of 1,614,214 alleles (0.06%); highest among the groups gnomAD compares: Middle Eastern, 0.23%; 3 homozygotes.

Submissions (28):

Evidence-based Network for the Interpretation of Germline Mutant Alleles (ENIGMA)
Classification: Benign for Breast-ovarian cancer, familial, susceptibility to, 1. Last evaluated: 2017-06-29. Review status: reviewed by expert panel. Criteria: ENIGMA BRCA1/2 Classification Criteria (2017-06-29). Collection method: curation. Allele origin: germline.
Comment: Synonymous substitution variant, with low bioinformatic likelihood to alter mRNA splicing (splicing prior 0.02) and frequency 0.0021 (Admixed American/Latino), derived from ExAC (2014-12-17).

CeGaT Center for Human Genetics Tuebingen
Classification: Likely benign. Last evaluated: 2026-09-01. Review status: criteria provided, single submitter. Criteria: CeGaT Center For Human Genetics Tuebingen Variant Classification Criteria Version 2. Collection method: clinical testing. Allele origin: germline. Affected: yes. Observed: 39 variant alleles. Not counted in ClinVar's aggregate classification.
Comment: BRCA1: BP4, BP7

Labcorp Genetics (formerly Invitae), Labcorp
Classification: Benign for Hereditary breast ovarian cancer syndrome. Last evaluated: 2026-02-03. Review status: criteria provided, single submitter. Criteria: Invitae Variant Classification Sherloc (09022015). Collection method: clinical testing. Allele origin: germline. Not counted in ClinVar's aggregate classification.

ARUP Laboratories, Molecular Genetics and Genomics, ARUP Laboratories
Classification: Benign. Last evaluated: 2025-06-30. Review status: criteria provided, single submitter. Criteria: ARUP Molecular Germline Variant Investigation Process 2024. Collection method: clinical testing. Allele origin: germline. Not counted in ClinVar's aggregate classification.

Center for Genomic Medicine, Rigshospitalet, Copenhagen University Hospital
Classification: Benign. Last evaluated: 2025-03-04. Review status: criteria provided, single submitter. Criteria: ACMG Guidelines, 2015. Collection method: clinical testing. Allele origin: germline. Not counted in ClinVar's aggregate classification.

Blueprint Genetics
Classification: Likely benign. Last evaluated: 2024-11-25. Review status: criteria provided, single submitter. Criteria: ACMG Guidelines, 2015. Collection method: clinical testing. Allele origin: germline. Not counted in ClinVar's aggregate classification.

Mayo Clinic Laboratories, Mayo Clinic
Classification: Benign. Last evaluated: 2024-05-01. Review status: criteria provided, single submitter. Criteria: ACMG Guidelines, 2015. Collection method: clinical testing. Allele origin: germline. Observed: 4 variant alleles. Not counted in ClinVar's aggregate classification.
Comment: BA1, BP1_strong, BP7

KCCC/NGS Laboratory, Kuwait Cancer Control Center
Classification: Benign for Breast-ovarian cancer, familial, susceptibility to, 1. Last evaluated: 2023-07-07. Review status: criteria provided, single submitter. Criteria: ACMG Guidelines, 2015. Collection method: clinical testing. Allele origin: germline. Affected: yes. Not counted in ClinVar's aggregate classification.

National Health Laboratory Service, Universitas Academic Hospital and University of the Free State
Classification: Benign for Hereditary breast ovarian cancer syndrome. Last evaluated: 2021-11-16. Review status: criteria provided, single submitter. Criteria: ACMG Guidelines, 2015. Collection method: clinical testing. Allele origin: germline. Affected: yes. Observed: 1 variant allele. Not counted in ClinVar's aggregate classification.

Mendelics
Classification: Likely benign for Breast-ovarian cancer, familial, susceptibility to, 1. Last evaluated: 2019-05-28. Review status: criteria provided, single submitter. Criteria: Mendelics Assertion Criteria 2017. Collection method: clinical testing. Allele origin: unknown. Not counted in ClinVar's aggregate classification.

Genetic Services Laboratory, University of Chicago
Classification: Benign. Last evaluated: 2018-06-22. Review status: criteria provided, single submitter. Criteria: ACMG Guidelines, 2015. Collection method: clinical testing. Allele origin: germline. Affected: no. Not counted in ClinVar's aggregate classification.

Illumina Laboratory Services, Illumina
Classification: Likely benign for Breast-ovarian cancer, familial, susceptibility to, 1. Last evaluated: 2018-01-12. Review status: criteria provided, single submitter. Criteria: ICSL Variant Classification Criteria 13 December 2019. Collection method: clinical testing. Allele origin: germline. Not counted in ClinVar's aggregate classification.
Comment: This variant was observed in the ICSL laboratory as part of a predisposition screen in an ostensibly healthy population. It had not been previously curated by ICSL or reported in the Human Gene Mutation Database (HGMD: prior to June 1st, 2018), and was therefore a candidate for classification through an automated scoring system. Utilizing variant allele frequency, disease prevalence and penetrance estimates, and inheritance mode, an automated score was calculated to assess if this variant is too frequent to cause the disease. Based on the score and internal cut-off values, a variant classified as likely benign is not then subjected to further curation. The score for this variant resulted in a classification of likely benign for this disease.

Cancer Genetics and Genomics Laboratory, British Columbia Cancer Agency
Classification: Benign. Last evaluated: 2017-04-18. Review status: criteria provided, single submitter. Criteria: ACMG Guidelines, 2015. Collection method: clinical testing. Allele origin: germline. Study: The Canadian Open Genetics Repository (COGR). Not counted in ClinVar's aggregate classification.

PreventionGenetics, part of Exact Sciences
Classification: Benign. Last evaluated: 2017-01-30. Review status: criteria provided, single submitter. Criteria: ACMG Guidelines, 2015. Collection method: clinical testing. Allele origin: germline. Not counted in ClinVar's aggregate classification.

CHEO Genetics Diagnostic Laboratory, Children's Hospital of Eastern Ontario
Classification: Benign. Last evaluated: 2017-01-18. Review status: criteria provided, single submitter. Criteria: ACMG Guidelines, 2015. Collection method: clinical testing. Allele origin: germline. Study: The Canadian Open Genetics Repository (COGR). Not counted in ClinVar's aggregate classification.

Eurofins Ntd Llc (ga)
Classification: Likely benign. Last evaluated: 2015-08-12. Review status: criteria provided, single submitter. Criteria: EGL Classification Definitions 2015. Collection method: clinical testing. Allele origin: germline. Observed: 1 variant allele, 1 heterozygote. Not counted in ClinVar's aggregate classification.

Color Diagnostics, LLC DBA Color Health
Classification: Likely benign for Hereditary cancer-predisposing syndrome. Last evaluated: 2015-04-27. Review status: criteria provided, single submitter. Criteria: ACMG Guidelines, 2015. Collection method: clinical testing. Allele origin: germline. Not counted in ClinVar's aggregate classification.

Ambry Genetics
Classification: Likely benign for Hereditary cancer-predisposing syndrome. Last evaluated: 2014-06-25. Review status: criteria provided, single submitter. Criteria: Ambry Variant Classification Scheme 2023. Collection method: clinical testing. Allele origin: germline. Not counted in ClinVar's aggregate classification.

Breakthrough Genomics
Classification: Benign. Review status: criteria provided, single submitter. Criteria: ACMG Guidelines, 2015. Collection method: not provided. Allele origin: germline. Inheritance: Autosomal recessive inheritance. Affected: yes. Not counted in ClinVar's aggregate classification.

Institute for Biomarker Research, Medical Diagnostic Laboratories, L.L.C.
Classification: Benign for Hereditary breast ovarian cancer syndrome. Last evaluated: 2021-12-17. Review status: no assertion criteria provided. Collection method: clinical testing. Allele origin: germline. Not counted in ClinVar's aggregate classification.

True Health Diagnostics
Classification: Likely benign for Hereditary cancer-predisposing syndrome. Last evaluated: 2018-09-28. Review status: no assertion criteria provided. Collection method: clinical testing. Allele origin: germline. Not counted in ClinVar's aggregate classification.

Counsyl
Classification: Likely benign for Breast-ovarian cancer, familial 1. Last evaluated: 2014-01-24. Review status: no assertion criteria provided. Collection method: literature only. Allele origin: unknown. Inheritance: Autosomal dominant inheritance. Not counted in ClinVar's aggregate classification.

Breast Cancer Information Core (BIC) (BRCA1)
Classification: Uncertain significance for Breast-ovarian cancer, familial 1. Last evaluated: 2011-07-08. Review status: no assertion criteria provided. Collection method: clinical testing. Allele origin: germline. Affected: yes. Observed: 2 variant alleles. Not counted in ClinVar's aggregate classification.

Sharing Clinical Reports Project (SCRP)
Classification: Benign for Breast-ovarian cancer, familial 1. Last evaluated: 2011-03-02. Review status: no assertion criteria provided. Collection method: clinical testing. Allele origin: germline. Not counted in ClinVar's aggregate classification.

Clinical Genetics DNA and cytogenetics Diagnostics Lab, Erasmus MC, Erasmus Medical Center
Classification: Benign. Review status: no assertion criteria provided. Collection method: clinical testing. Allele origin: germline. Affected: yes. Study: VKGL Data-share Consensus. Not counted in ClinVar's aggregate classification.

Clinical Genetics Laboratory, Department of Pathology, Netherlands Cancer Institute
Classification: Likely benign. Review status: no assertion criteria provided. Collection method: clinical testing. Allele origin: germline. Affected: yes. Study: VKGL Data-share Consensus. Not counted in ClinVar's aggregate classification.

Department of Pathology and Laboratory Medicine, Sinai Health System
Classification: Benign. Review status: no assertion criteria provided. Collection method: clinical testing. Allele origin: unknown. Affected: yes. Study: The Canadian Open Genetics Repository (COGR). Not counted in ClinVar's aggregate classification.
Comment: The p.Thr327Thr variant is not expected to have clinical significance because it does not alter an amino acid residue and is not located near a splice junction. It has been reported in the literature in 14/10588 proband chromosomes from individuals with hereditary and sporadic breast and/ or ovarian carcer (Alsop_2012_22711857, Borg_2010_20104584, Caux-Moncoutier_2011_21120943, Malone_1998_9544766, Stoppa-Lyonnet_1997_9150149, Tazzite_2012_22425665, Uhrhammer_2008_18645608); but it was not identified in the limited number (142) of control chromosomes evaluated. It is listed in dbSNP as coming from a "clinical source" (ID#: rs1800063), but no frequency information was provided, and so the prevalence of this variant in the general population is not known. The variant has been identified in the BIC database (x1), UMD database (x30) as likely neutral, and classified in the BOCs database (x1) as benign (ACMG 5). In summary, based on the above information, the p.Arg3370Arg variant is classified as benign.

Joint Genome Diagnostic Labs from Nijmegen and Maastricht, Radboudumc and MUMC+
Classification: Likely benign. Review status: no assertion criteria provided. Collection method: clinical testing. Allele origin: germline. Affected: yes. Study: VKGL Data-share Consensus. Not counted in ClinVar's aggregate classification.

Literature cited by the submitters: DOI 10.3389/fgene.2022.834265 (cited by National Health Laboratory Service, Universitas Academic Hospital and University of the Free State); PubMed 9544766 (cited by Counsyl); PubMed 22425665 (cited by Counsyl); PubMed 18645608 (cited by Counsyl); PubMed 9150149 (cited by Counsyl); PubMed 20104584 (cited by Counsyl).

NM_007294.4(BRCA1):c.981A>G (p.Thr327=)

Gene: BRCA1 (BRCA1 DNA repair associated; minus strand). Cytogenetic location: 17q21.31.
Variant type: single nucleotide variant.
Coding change: c.981A>G on transcript NM_007294.4 (MANE Select); coding-DNA position 981, A replaced by G.
Protein change: p.Thr327=; no amino-acid change (threonine 327 retained).
Molecular consequence: synonymous variant. On other transcripts: intron variant (137).
Genome position (GRCh38, 1-based): chr17:43,094,550, T>C on the plus strand (A>G on the coding strand, the complement: BRCA1 is on the minus strand). VCF-style: chr17-43094550-T-C. GRCh37 (hg19) VCF-style: chr17-41246567-T-C.
Other names: 1100A/G; T327T; NP_009225.1:p.Thr327=; p.Thr327=; 1100A>G; c.840A>G, p.Thr280= (NM_001407724.1, NM_001407725.1, NM_001407726.1 and 29 more transcripts); c.837A>G, p.Thr279= (NM_001407740.1, NM_001407741.1, NM_001407742.1 and 20 more transcripts); c.768A>G, p.Thr256= (NM_001407853.1, NM_001407894.1, NM_001407895.1 and 9 more transcripts); and 45 more.
Identifiers: ClinVar variation 55771 (VCV000055771.95), dbSNP rs1800063, ClinGen allele CA003996.